The following is an entry in ClinVar:

NM_002875.5(RAD51):c.263C>G (p.Thr88Ser)

Gene: RAD51 (RAD51 recombinase; plus strand). Cytogenetic location: 15q15.1.
Variant type: single nucleotide variant.
Coding change: c.263C>G on transcript NM_002875.5 (MANE Select); coding-DNA position 263, C replaced by G.
Protein change: p.Thr88Ser; replaces threonine 88 with serine.
Molecular consequence: missense variant. On other transcripts: intron variant (2).
Genome position (GRCh38, 1-based): chr15:40,706,214, C>G. VCF-style: chr15-40706214-C-G. GRCh37 (hg19) VCF-style: chr15-40998412-C-G.
Other names: c.263C>G, p.Thr88Ser (NM_001164270.2); c.347-2811C>G (NM_133487.4, NM_001164269.2); short protein forms T88S.
Identifiers: ClinVar variation 1794167 (VCV001794167.2), dbSNP rs2141830286, ClinGen allele CA391749563.

ClinVar aggregate classification (germline): Uncertain significance (1 of 4 stars; one submission).

Conditions:
Inborn genetic diseases. Identifiers: MedGen C0950123, MeSH D030342.

Allele frequency attached by ClinVar (database versions not stated): gnomAD exomes below 0.00001.

Submission:

Ambry Genetics
Classification: Uncertain significance for Inborn genetic diseases. Last evaluated: 2022-04-21. Review status: criteria provided, single submitter. Criteria: Ambry Variant Classification Scheme 2023. Collection method: clinical testing. Allele origin: germline.
Comment: The p.T88S variant (also known as c.263C>G), located in coding exon 3 of the RAD51 gene, results from a C to G substitution at nucleotide position 263. The threonine at codon 88 is replaced by serine, an amino acid with similar properties. This amino acid position is conserved. In addition, this alteration is predicted to be tolerated by in silico analysis. Since supporting evidence is limited at this time, the clinical significance of this alteration remains unclear.